The following is an entry in ClinVar:

ClinVar aggregate classification (germline): Uncertain significance. Review status: criteria provided, multiple submitters, no conflicts (2 of 4 stars). 2 submissions from 2 submitters: Uncertain significance (2). Last evaluated 2024-06-18.

Conditions:
Autosomal dominant polycystic kidney disease. Identifiers: Orphanet 730, MedGen C0085413, MONDO:0004691.
Polycystic kidney disease 2 (PKD2). Also called: Polycystic Kidney Disease 2, Autosomal Dominant; POLYCYSTIC KIDNEY DISEASE, ADULT, TYPE II; POLYCYSTIC KIDNEY DISEASE 2 WITH OR WITHOUT POLYCYSTIC LIVER DISEASE. Identifiers: MedGen C2751306, MONDO:0013131, OMIM 613095.

gnomAD v4.1: 7 of 1,475,472 alleles (0.00047%); highest among the groups gnomAD compares: African/African-American, 0.0088%; no homozygotes.

Submissions (2):

Fulgent Genetics
Classification: Uncertain significance for Polycystic kidney disease 2. Last evaluated: 2024-06-18. Review status: criteria provided, single submitter. Criteria: ACMG Guidelines, 2015. Collection method: clinical testing. Allele origin: germline.

Labcorp Genetics (formerly Invitae), Labcorp
Classification: Uncertain significance for Autosomal dominant polycystic kidney disease. Last evaluated: 2023-10-14. Review status: criteria provided, single submitter. Criteria: Invitae Variant Classification Sherloc (09022015). Collection method: clinical testing. Allele origin: germline.
Comment: This sequence change replaces leucine, which is neutral and non-polar, with valine, which is neutral and non-polar, at codon 180 of the PKD2 protein (p.Leu180Val). This variant is present in population databases (no rsID available, gnomAD 0.01%). This variant has not been reported in the literature in individuals affected with PKD2-related conditions. An algorithm developed to predict the effect of missense changes on protein structure and function (PolyPhen-2) suggests that this variant is likely to be tolerated. In summary, the available evidence is currently insufficient to determine the role of this variant in disease. Therefore, it has been classified as a Variant of Uncertain Significance.

NM_000297.4(PKD2):c.538C>G (p.Leu180Val)

Genes: PKD2 (polycystin 2, transient receptor potential cation channel; plus strand), LOC129992813 (ATAC-STARR-seq lymphoblastoid silent region 15559; plus strand). Cytogenetic location: 4q22.1.
Variant type: single nucleotide variant.
Coding change: c.538C>G on transcript NM_000297.4 (MANE Select); coding-DNA position 538, C replaced by G.
Protein change: p.Leu180Val; replaces leucine 180 with valine.
Molecular consequence: missense variant. On other transcripts: non-coding transcript variant (1).
Genome position (GRCh38, 1-based): chr4:88,008,271, C>G. VCF-style: chr4-88008271-C-G. GRCh37 (hg19) VCF-style: chr4-88929423-C-G.
Other names: short protein forms L180V.
Identifiers: ClinVar variation 2912253 (VCV002912253.4), dbSNP rs973515982, ClinGen allele CA100873349.